The following is an entry in ClinVar:

NM_020975.6(RET):c.603C>A (p.Ser201Arg)

Gene: RET (ret proto-oncogene; plus strand). Cytogenetic location: 10q11.21.
Variant type: single nucleotide variant.
Coding change: c.603C>A on transcript NM_020975.6 (MANE Select); coding-DNA position 603, C replaced by A.
Protein change: p.Ser201Arg; replaces serine 201 with arginine.
Molecular consequence: missense variant. On other transcripts: intron variant (15).
Genome position (GRCh38, 1-based): chr10:43,102,607, C>A. VCF-style: chr10-43102607-C-A. GRCh37 (hg19) VCF-style: chr10-43598055-C-A.
Other names: c.603C>A, p.Ser201Arg (NM_001406743.1, NM_001406744.1, NM_001406759.1 and 14 more transcripts); c.474C>A, p.Ser158Arg (NM_001406761.1, NM_001406762.1, NM_001406764.1 and 4 more transcripts); c.337+1885C>A (NM_001406770.1, NM_001406766.1, NM_001406767.1 and 8 more transcripts); c.74-6424C>A (NM_001406784.1); c.74-9492C>A (NM_001406794.1, NM_001406792.1, NM_001406793.1); short protein forms S158R, S201R.
Identifiers: ClinVar variation 4807852 (VCV004807852.1).
Genomic context (GRCh38, chr10:43,102,607, plus strand): 5'-CCCAGGCACCTTCCACCAGTTCCGCCTGCTGCCTGTGCAGTTCTTGTGCCCCAACATCAG[C>A]GTGGCCTACAGGCTCCTGGAGGGTGAGTGCCGACCTTGTGGGGCCGCCCCACAGTGCCTG-3'
Protein context (NP_066124.1, residues 191-211): LPVQFLCPNI[Ser201Arg]VAYRLLEGEG

ClinVar aggregate classification (germline): Uncertain significance (1 of 4 stars; one submission).

Conditions:
Multiple endocrine neoplasia, type 2 (MEN2). Identifiers: Orphanet 653, MedGen C4048306, MONDO:0019003. Disease mechanism: gain of function.

Submission:

Labcorp Genetics (formerly Invitae), Labcorp
Classification: Uncertain significance for Multiple endocrine neoplasia, type 2. Last evaluated: 2025-11-10. Review status: criteria provided, single submitter. Criteria: Invitae Variant Classification Sherloc (09022015). Collection method: clinical testing. Allele origin: germline.
Comment: This sequence change replaces serine, which is neutral and polar, with arginine, which is basic and polar, at codon 201 of the RET protein (p.Ser201Arg). This variant is not present in population databases (gnomAD no frequency). This variant has not been reported in the literature in individuals affected with RET-related conditions. An algorithm developed to predict the effect of missense changes on protein structure and function (PolyPhen-2) suggests that this variant is likely to be disruptive. In summary, the available evidence is currently insufficient to determine the role of this variant in disease. Therefore, it has been classified as a Variant of Uncertain Significance.